The following is an entry in ClinVar:

ClinVar aggregate classification (germline): Uncertain significance (1 of 4 stars; one submission).

Conditions:
LAMA2-related muscular dystrophy (LAMA2-RD). Also called: Laminin alpha 2-related dystrophy. Identifiers: MedGen C5679788, MONDO:0100228.

Submission:

Labcorp Genetics (formerly Invitae), Labcorp
Classification: Uncertain significance for LAMA2-related muscular dystrophy. Last evaluated: 2021-08-28. Review status: criteria provided, single submitter. Criteria: Invitae Variant Classification Sherloc (09022015). Collection method: clinical testing. Allele origin: germline.
Comment: This sequence change falls in intron 50 of the LAMA2 gene. It does not directly change the encoded amino acid sequence of the LAMA2 protein. It affects a nucleotide within the consensus splice site of the intron. This variant is not present in population databases (ExAC no frequency). This variant has not been reported in the literature in individuals affected with LAMA2-related conditions. Variants that disrupt the consensus splice site are a relatively common cause of aberrant splicing (PMID: 17576681, 9536098). Algorithms developed to predict the effect of sequence changes on RNA splicing suggest that this variant may disrupt the consensus splice site. In summary, the available evidence is currently insufficient to determine the role of this variant in disease. Therefore, it has been classified as a Variant of Uncertain Significance.

Literature cited by the submitters: PubMed 17576681; PubMed 9536098.

NM_000426.4(LAMA2):c.7155+6G>C

Gene: LAMA2 (laminin subunit alpha 2; plus strand). Cytogenetic location: 6q22.33.
Variant type: single nucleotide variant.
Coding change: c.7155+6G>C on transcript NM_000426.4 (MANE Select); 6 bases into the intron after coding-DNA position 7155, G replaced by C.
Molecular consequence: intron variant.
Genome position (GRCh38, 1-based): chr6:129,464,458, G>C. VCF-style: chr6-129464458-G-C. GRCh37 (hg19) VCF-style: chr6-129785603-G-C.
Other names: c.7155+6G>C (NM_001079823.2).
Identifiers: ClinVar variation 952339 (VCV000952339.7), dbSNP rs1783434749, ClinGen allele CA1139659811.